The following is an entry in ClinVar:

ClinVar aggregate classification (germline): Uncertain significance. Review status: criteria provided, multiple submitters, no conflicts (2 of 4 stars). 2 submissions from 2 submitters: Uncertain significance (2). Last evaluated 2023-10-28.

Conditions:
Baller-Gerold syndrome (BGS). Also called: CRANIOSYNOSTOSIS WITH RADIAL DEFECTS. Identifiers: Orphanet 1225, MedGen C0265308, MONDO:0009039, OMIM 218600.

Allele frequency attached by ClinVar (database versions not stated): gnomAD exomes 0.00002; ExAC 0.00003; gnomAD 0.00005 and 0.00006; TOPMed 0.00005.
gnomAD v4.1: 38 of 1,612,756 alleles (0.0024%); highest among the groups gnomAD compares: Non-Finnish European, 0.0031%; no homozygotes.

Submissions (2):

Labcorp Genetics (formerly Invitae), Labcorp
Classification: Uncertain significance for Baller-Gerold syndrome. Last evaluated: 2023-10-28. Review status: criteria provided, single submitter. Criteria: Invitae Variant Classification Sherloc (09022015). Collection method: clinical testing. Allele origin: germline.
Comment: This sequence change replaces cysteine, which is neutral and slightly polar, with arginine, which is basic and polar, at codon 403 of the RECQL4 protein (p.Cys403Arg). This variant is present in population databases (rs754788578, gnomAD 0.005%). This variant has not been reported in the literature in individuals affected with RECQL4-related conditions. ClinVar contains an entry for this variant (Variation ID: 406915). Advanced modeling of protein sequence and biophysical properties (such as structural, functional, and spatial information, amino acid conservation, physicochemical variation, residue mobility, and thermodynamic stability) performed at Invitae indicates that this missense variant is expected to disrupt RECQL4 protein function with a positive predictive value of 80%. In summary, the available evidence is currently insufficient to determine the role of this variant in disease. Therefore, it has been classified as a Variant of Uncertain Significance.

CeGaT Center for Human Genetics Tuebingen
Classification: Uncertain significance. Last evaluated: 2022-07-01. Review status: criteria provided, single submitter. Criteria: CeGaT Center For Human Genetics Tuebingen Variant Classification Criteria Version 2. Collection method: clinical testing. Allele origin: germline. Affected: yes. Observed: 1 variant allele.
Comment: RECQL4: PM2:Supporting, BP4

NM_004260.4(RECQL4):c.1207T>C (p.Cys403Arg)

Gene: RECQL4 (RecQ like helicase 4; minus strand). Cytogenetic location: 8q24.3.
Variant type: single nucleotide variant.
Coding change: c.1207T>C on transcript NM_004260.4 (MANE Select); coding-DNA position 1207, T replaced by C.
Protein change: p.Cys403Arg; replaces cysteine 403 with arginine.
Molecular consequence: missense variant.
Genome position (GRCh38, 1-based): chr8:144,515,815, A>G on the plus strand (T>C on the coding strand, the complement: RECQL4 is on the minus strand). VCF-style: chr8-144515815-A-G. GRCh37 (hg19) VCF-style: chr8-145741199-A-G.
Other names: short protein forms C403R.
Identifiers: ClinVar variation 406915 (VCV000406915.30), dbSNP rs754788578, ClinGen allele CA4948990.